The following is an entry in ClinVar:

NM_144997.7(FLCN):c.1275G>T (p.Gln425His)

Gene: FLCN (folliculin; minus strand). Cytogenetic location: 17p11.2.
Variant type: single nucleotide variant.
Coding change: c.1275G>T on transcript NM_144997.7 (MANE Select); coding-DNA position 1275, G replaced by T.
Protein change: p.Gln425His; replaces glutamine 425 with histidine.
Molecular consequence: missense variant.
Genome position (GRCh38, 1-based): chr17:17,216,405, C>A on the plus strand (G>T on the coding strand, the complement: FLCN is on the minus strand). VCF-style: chr17-17216405-C-A. GRCh37 (hg19) VCF-style: chr17-17119719-C-A.
Other names: c.1275G>T, p.Gln425His (NM_001353230.2, NM_001353231.2); c.1329G>T, p.Gln443His (NM_001353229.2); short protein forms Q425H, Q443H.
Identifiers: ClinVar variation 2843496 (VCV002843496.3), dbSNP rs1555607680, ClinGen allele CA398531655.

ClinVar aggregate classification (germline): Uncertain significance (1 of 4 stars; one submission).

Conditions:
Birt-Hogg-Dube syndrome. Also called: Birt Hogg Dubé syndrome. Identifiers: Orphanet 122, MedGen C0346010, MONDO:0800444.

Submission:

Labcorp Genetics (formerly Invitae), Labcorp
Classification: Uncertain significance for Birt-Hogg-Dube syndrome. Last evaluated: 2023-03-07. Review status: criteria provided, single submitter. Criteria: Invitae Variant Classification Sherloc (09022015). Collection method: clinical testing. Allele origin: germline.
Comment: This sequence change replaces glutamine, which is neutral and polar, with histidine, which is basic and polar, at codon 425 of the FLCN protein (p.Gln425His). This variant is not present in population databases (gnomAD no frequency). This variant has not been reported in the literature in individuals affected with FLCN-related conditions. Advanced modeling of protein sequence and biophysical properties (such as structural, functional, and spatial information, amino acid conservation, physicochemical variation, residue mobility, and thermodynamic stability) performed at Invitae indicates that this missense variant is not expected to disrupt FLCN protein function. In summary, the available evidence is currently insufficient to determine the role of this variant in disease. Therefore, it has been classified as a Variant of Uncertain Significance.